The following is an entry in ClinVar:

ClinVar aggregate classification (germline): Likely pathogenic (1 of 4 stars; one submission).

Conditions:
GNAS-related disorder. Identifiers: MedGen CN380105.

Submission:

PreventionGenetics, part of Exact Sciences
Classification: Likely pathogenic for GNAS-related condition. Last evaluated: 2023-06-07. Review status: criteria provided, single submitter. Criteria: ACMG Guidelines, 2015. Collection method: clinical testing. Allele origin: germline.
Comment: The GNAS c.666dupT variant is predicted to result in premature protein termination (p.Asp223*). To our knowledge, this variant has not been reported in the literature or in a large population database, indicating this variant is rare. Nonsense variants in GNAS are expected to be pathogenic. This variant is interpreted as likely pathogenic.

NM_000516.7(GNAS):c.666dup (p.Asp223Ter)

Gene: GNAS (GNAS complex locus; plus strand). Cytogenetic location: 20q13.32.
Variant type: Duplication.
Coding change: c.666dup on transcript NM_000516.7 (MANE Select); coding-DNA position 666, one base duplicated (T; older notation c.666dupT).
Protein change: p.Asp223Ter; replaces aspartic acid 223 with a stop codon.
Molecular consequence: nonsense. On other transcripts: 3 prime UTR variant (2).
Genome position (GRCh38, 1-based): chr20:58,909,527, T duplicated; the last of 3 consecutive T bases (chr20:58,909,525-58,909,527); duplicating any one gives the same sequence. VCF-style (leftmost placement, unchanged base first): chr20-58909524-G-GT. GRCh37 (hg19) VCF-style: chr20-57484579-G-GT.
Other names: c.621dup, p.Asp208Ter (NM_001077489.4); c.*527dup (NM_001077490.3); c.489dup, p.Asp164Ter (NM_001309840.2, NM_001309861.2); c.570dup, p.Asp191Ter (NM_001410912.1); c.2550dup, p.Asp851Ter (NM_001410913.1); c.*572dup (NM_016592.5); c.2595dup, p.Asp866Ter (NM_080425.4); c.624dup, p.Asp209Ter (NM_080426.4); and 1 more; short protein forms D164*, D191*, D208*, D209*, D223*, D224*, D851*, D866*.
Identifiers: ClinVar variation 2632332 (VCV002632332.1), dbSNP rs2517248665, ClinGen allele CA2695201415.